The following is an entry in ClinVar:

NM_004304.5(ALK):c.925G>A (p.Ala309Thr)

Gene: ALK (ALK receptor tyrosine kinase; minus strand). Cytogenetic location: 2p23.2.
Variant type: single nucleotide variant.
Coding change: c.925G>A on transcript NM_004304.5 (MANE Select); coding-DNA position 925, G replaced by A.
Protein change: p.Ala309Thr; replaces alanine 309 with threonine.
Molecular consequence: missense variant.
Genome position (GRCh38, 1-based): chr2:29,694,877, C>T on the plus strand (G>A on the coding strand, the complement: ALK is on the minus strand). VCF-style: chr2-29694877-C-T. GRCh37 (hg19) VCF-style: chr2-29917743-C-T.
Other names: short protein forms A309T.
Identifiers: ClinVar variation 404349 (VCV000404349.10), dbSNP rs145681577, ClinGen allele CA1594814.
Genomic context (GRCh38, chr2:29,694,877, plus strand): 5'-CACCCAGGACATCACCAGCAGCCTCTCCCTTACCTCTGGGCATCTCCTTAGAACGCTCTG[C>T]CCCAGGCCCATCCAGCAAGTCCATCTGGGAGGCCTCCTCGGAGGGGATGCGGCGCCAGGA-3'
Protein context (NP_004295.2, residues 299-319): SQMDLLDGPG[Ala309Thr]ERSKEMPRGS

ClinVar aggregate classification (germline): Conflicting classifications of pathogenicity. Review status: criteria provided, conflicting classifications (1 of 4 stars). 2 submissions from 2 submitters: Uncertain significance (1); Benign (1). Last evaluated 2025-12-14.

Conditions:
Hereditary cancer-predisposing syndrome. Also called: Tumor predisposition; Neoplastic Syndromes, Hereditary; Hereditary Cancer Syndrome; Hereditary neoplastic syndrome. Identifiers: Orphanet 140162, MedGen C0027672, MeSH D009386, MONDO:0015356.
Neuroblastoma, susceptibility to, 3. Also called: ALK-Related Neuroblastic Tumor Susceptibility. Identifiers: Orphanet 635, MedGen C2751681, MONDO:0013083, OMIM 613014.

Allele frequency attached by ClinVar (database versions not stated): gnomAD exomes 0.00001 and 0.00002; ExAC 0.00002; gnomAD 0.00007; TOPMed 0.00008; ESP Exome Variant Server 0.00023.
gnomAD v4.1: 22 of 1,613,870 alleles (0.0014%); highest among the groups gnomAD compares: African/African-American, 0.027%; no homozygotes.

Submissions (2):

Labcorp Genetics (formerly Invitae), Labcorp
Classification: Uncertain significance for Neuroblastoma, susceptibility to, 3. Last evaluated: 2025-12-14. Review status: criteria provided, single submitter. Criteria: Invitae Variant Classification Sherloc (09022015). Collection method: clinical testing. Allele origin: germline.
Comment: This sequence change replaces alanine, which is neutral and non-polar, with threonine, which is neutral and polar, at codon 309 of the ALK protein (p.Ala309Thr). This variant is present in population databases (rs145681577, gnomAD 0.02%). This variant has not been reported in the literature in individuals affected with ALK-related conditions. ClinVar contains an entry for this variant (Variation ID: 404349). An algorithm developed to predict the effect of missense changes on protein structure and function outputs the following: PolyPhen-2: "Benign". The threonine amino acid residue is found in multiple mammalian species, which suggests that this missense change does not adversely affect protein function. In summary, the available evidence is currently insufficient to determine the role of this variant in disease. Therefore, it has been classified as a Variant of Uncertain Significance.

Ambry Genetics
Classification: Benign for Hereditary cancer-predisposing syndrome. Last evaluated: 2024-07-08. Review status: criteria provided, single submitter. Criteria: Ambry Variant Classification Scheme 2023. Collection method: clinical testing. Allele origin: germline.